The following is an entry in ClinVar:

ClinVar aggregate classification (germline): Pathogenic (1 of 4 stars; one submission).

Conditions:
Joubert syndrome. Also called: JOUBERT-BOLTSHAUSER SYNDROME; Familial aplasia of the vermis. Identifiers: Orphanet 475, MedGen C5979921, MONDO:0018772.
Meckel-Gruber syndrome. Also called: DYSENCEPHALIA SPLANCHNOCYSTICA; GRUBER SYNDROME; Dysencephalia splachnocystica. Identifiers: Orphanet 564, MedGen C0265215, MONDO:0018921.

gnomAD v4.1: 1 of 1,611,518 alleles (0.000062%); highest among the groups gnomAD compares: Non-Finnish European, 0.000085%; no homozygotes.

Submission:

Labcorp Genetics (formerly Invitae), Labcorp
Classification: Pathogenic for Joubert syndrome; Meckel-Gruber syndrome. Last evaluated: 2023-09-18. Review status: criteria provided, single submitter. Criteria: Invitae Variant Classification Sherloc (09022015). Collection method: clinical testing. Allele origin: germline.
Comment: This sequence change creates a premature translational stop signal (p.Lys1552*) in the CC2D2A gene. While this is not anticipated to result in nonsense mediated decay, it is expected to disrupt the last 69 amino acid(s) of the CC2D2A protein. This variant is not present in population databases (gnomAD no frequency). This variant has not been reported in the literature in individuals affected with CC2D2A-related conditions. This variant disrupts a region of the CC2D2A protein in which other variant(s) (p.Ala1577Valfs*5) have been determined to be pathogenic (PMID: 30267408). This suggests that this is a clinically significant region of the protein, and that variants that disrupt it are likely to be disease-causing. For these reasons, this variant has been classified as Pathogenic.

Literature cited by the submitters: PubMed 30267408.

NM_001378615.1(CC2D2A):c.4654A>T (p.Lys1552Ter)

Genes: CC2D2A (coiled-coil and C2 domain containing 2A; plus strand), FBXL5 (F-box and leucine rich repeat protein 5; minus strand). Cytogenetic location: 4p15.32.
Variant type: single nucleotide variant.
Coding change: c.4654A>T on transcript NM_001378615.1 (MANE Select); coding-DNA position 4654, A replaced by T.
Protein change: p.Lys1552Ter; replaces lysine 1552 with a stop codon.
Molecular consequence: nonsense.
Genome position (GRCh38, 1-based): chr4:15,599,686, A>T. VCF-style: chr4-15599686-A-T. GRCh37 (hg19) VCF-style: chr4-15601309-A-T.
Other names: c.4654A>T, p.Lys1552Ter (NM_001080522.2); c.4507A>T, p.Lys1503Ter (NM_001378617.1); short protein forms K1552*, K1503*.
Identifiers: ClinVar variation 2931178 (VCV002931178.3), dbSNP rs2148496033, ClinGen allele CA356434648.
Genomic context (GRCh38, chr4:15,599,686, plus strand): 5'-CCTCTGTTAGAAAAAAGTCAAGGAGAAGATGTAGAAGATGACCACAGAGCAGAACTGCTA[A>T]AACAGCTGGGAGACTACAGGGTAAGTTACAAATGGATCCTAAACTGACTGTGGATTTCCT-3'